The following is an entry in ClinVar:

ClinVar aggregate classification (germline): Benign. Review status: criteria provided, multiple submitters, no conflicts (2 of 4 stars). 3 submissions from 3 submitters: Benign (3). Last evaluated 2024-01-24.

Allele frequency attached by ClinVar (database versions not stated): gnomAD exomes 0.25368; gnomAD 0.37635 and 0.38814; 1000 Genomes Project 0.39018; 1000 Genomes Project 30x 0.40037; TOPMed 0.40423.
gnomAD v4.1: 177,951 of 625,258 alleles (28%); highest among the groups gnomAD compares: African/African-American, 70%; 31,251 homozygotes.

Submissions (3):

Unidad de Genómica Garrahan, Hospital de Pediatría Garrahan
Classification: Benign. Last evaluated: 2024-01-24. Review status: criteria provided, single submitter. Criteria: ACMG Guidelines, 2015. Collection method: clinical testing. Allele origin: germline. Affected: no. Observed: 23 variant alleles.
Comment: This variant is classified as Benign based on local population frequency. This variant was detected in 24% of patients studied by a panel of primary immunodeficiencies. Number of patients: 23. Only high quality variants are reported.

GeneDx
Classification: Benign. Last evaluated: 2021-05-14. Review status: criteria provided, single submitter. Criteria: GeneDx Variant Classification Process June 2021. Collection method: clinical testing. Allele origin: germline. Affected: yes.

Breakthrough Genomics
Classification: Benign. Review status: criteria provided, single submitter. Criteria: ACMG Guidelines, 2015. Collection method: not provided. Allele origin: germline. Inheritance: Autosomal dominant inheritance. Affected: yes.

NM_002661.5(PLCG2):c.3199-117A>C

Gene: PLCG2 (phospholipase C gamma 2; plus strand). Cytogenetic location: 16q23.3.
Variant type: single nucleotide variant.
Coding change: c.3199-117A>C on transcript NM_002661.5 (MANE Select); 117 bases into the intron before coding-DNA position 3199, A replaced by C.
Molecular consequence: intron variant.
Genome position (GRCh38, 1-based): chr16:81,938,684, A>C. VCF-style: chr16-81938684-A-C. GRCh37 (hg19) VCF-style: chr16-81972289-A-C.
Identifiers: ClinVar variation 1241766 (VCV001241766.5), dbSNP rs4888192, ClinGen allele CA14270819.